The following is an entry in ClinVar:

NM_000152.5(GAA):c.1121G>A (p.Cys374Tyr)

Gene: GAA (alpha glucosidase; plus strand). Cytogenetic location: 17q25.3.
Variant type: single nucleotide variant.
Coding change: c.1121G>A on transcript NM_000152.5 (MANE Select); coding-DNA position 1121, G replaced by A.
Protein change: p.Cys374Tyr; replaces cysteine 374 with tyrosine.
Molecular consequence: missense variant.
Genome position (GRCh38, 1-based): chr17:80,108,534, G>A. VCF-style: chr17-80108534-G-A. GRCh37 (hg19) VCF-style: chr17-78082333-G-A.
Other names: c.1121G>A, p.Cys374Tyr (NM_001079803.3, NM_001079804.3, NM_001406741.1 and 1 more transcripts); short protein forms C374Y.
Identifiers: ClinVar variation 4876458 (VCV004876458.1).

ClinVar aggregate classification (germline): Likely pathogenic (1 of 4 stars; one submission).

Conditions:
Glycogen storage disease, type II (IOPD). Also called: Pompe Disease; CARDIOMEGALIA GLYCOGENICA DIFFUSA; GLYCOGENOSIS, GENERALIZED, CARDIAC FORM; GSD II; POMPE DISEASE, INFANTILE-ONSET; GLYCOGEN STORAGE DISEASE II, INFANTILE-ONSET. Identifiers: Orphanet 365, MedGen C0017921, MONDO:0009290, OMIM 232300.

Submission:

Genomenon, Inc
Classification: Likely pathogenic for Glycogen storage disease, type II. Last evaluated: 2026-07-01. Review status: criteria provided, single submitter. Criteria: Genomenon Sequence Variant Interpretation Standards - Updated. Collection method: curation. Allele origin: germline. Affected: yes.
Comment: GAA p.Cys374Tyr (c.1121G>A) is a missense variant that changes the amino acid at codon 374 from Cysteine to Tyrosine. This variant has been observed in at least one proband with a GAA-related disorder in the compound heterozygous and/or homozygous state (PMID:35833019;32248831;39914294). It is absent or not present at a significant frequency in gnomAD. In silico models predict that this variant is possibly or probably damaging. In conclusion, we classify GAA p.Cys374Tyr (c.1121G>A) as a likely pathogenic variant.

Literature cited by the submitters: PubMed 35833019; PubMed 32248831; PubMed 39914294.